The following is an entry in ClinVar:

ClinVar aggregate classification (germline): Uncertain significance (1 of 4 stars; one submission).

Conditions:
3-Methylglutaconic aciduria type 2 (BTHS). Also called: CARDIOSKELETAL MYOPATHY WITH NEUTROPENIA AND ABNORMAL MITOCHONDRIA; Barth syndrome. Identifiers: Orphanet 111, MedGen C0574083, MONDO:0010543, OMIM 302060.

Submission:

Victorian Clinical Genetics Services, Murdoch Childrens Research Institute
Classification: Uncertain significance for 3-Methylglutaconic aciduria type 2. Last evaluated: 2019-08-28. Review status: criteria provided, single submitter. Criteria: ACMG Guidelines, 2015. Collection method: clinical testing. Allele origin: germline. Inheritance: X-linked recessive inheritance. Affected: yes.
Comment: Based on the classification scheme VCGS_Germline_v0.6.1, this variant is classified as VOUS (3a). Following criteria are met: 0102 - Loss of function is a known mechanism of disease for this gene. 0109 - This gene is known to be associated with X-linked recessive disease. 0200 - Variant is predicted to result in a missense amino acid change from Leu to Gln. 0301 - Variant is absent from gnomAD. 0501 - Missense variant consistently predicted to be damaging by in-silico tools or highly conserved with a major amino acid change. 0600 - Variant is located in an annotated domain or motif that does not have a well established function. 0703 - Comparable variant in relevant codon/region has moderate previous evidence for pathogenicity. 0807 - Variant has not previously been reported in a clinical context. 0905 - No published segregation evidence has been identified for this variant. 1007 - No published functional evidence has been identified for this variant.

NM_000116.5(TAFAZZIN):c.149T>A (p.Leu50Gln)

Gene: TAFAZZIN (tafazzin, phospholipid-lysophospholipid transacylase; plus strand). Cytogenetic location: Xq28.
Variant type: single nucleotide variant.
Coding change: c.149T>A on transcript NM_000116.5 (MANE Select); coding-DNA position 149, T replaced by A.
Protein change: p.Leu50Gln; replaces leucine 50 with glutamine.
Molecular consequence: missense variant. On other transcripts: non-coding transcript variant (1).
Genome position (GRCh38, 1-based): chrX:154,412,125, T>A. VCF-style: chrX-154412125-T-A. GRCh37 (hg19) VCF-style: chrX-153640462-T-A.
Other names: c.203T>A, p.Leu68Gln (NM_001303465.2, NM_001410698.1); c.149T>A, p.Leu50Gln (NM_181311.4, NM_181312.4, NM_181313.4); short protein forms L50Q, L68Q.
Identifiers: ClinVar variation 1806241 (VCV001806241.1), dbSNP rs2522924071, ClinGen allele CA415179615.